The following is an entry in ClinVar:

NM_198253.3(TERT):c.2751G>A (p.Thr917=)

Gene: TERT (telomerase reverse transcriptase; minus strand). Cytogenetic location: 5p15.33.
Variant type: single nucleotide variant.
Coding change: c.2751G>A on transcript NM_198253.3 (MANE Select); coding-DNA position 2751, G replaced by A.
Protein change: p.Thr917=; no amino-acid change (threonine 917 retained).
Molecular consequence: synonymous variant. On other transcripts: intron variant (1).
Genome position (GRCh38, 1-based): chr5:1,264,496, C>T on the plus strand (G>A on the coding strand, the complement: TERT is on the minus strand). VCF-style: chr5-1264496-C-T. GRCh37 (hg19) VCF-style: chr5-1264611-C-T.
Other names: c.2654+1968G>A (NM_001193376.3).
Identifiers: ClinVar variation 471876 (VCV000471876.40), dbSNP rs375200599, ClinGen allele CA3184403.

ClinVar aggregate classification (germline): Likely benign. Review status: criteria provided, multiple submitters, no conflicts (2 of 4 stars). 4 submissions from 4 submitters: Likely benign (4). Last evaluated 2025-12-24.

Conditions:
Dyskeratosis congenita. Identifiers: Orphanet 1775, MedGen C0265965, MONDO:0015780.
Idiopathic Pulmonary Fibrosis. Also called: Idiopathic fibrosing alveolitis, chronic form; idiopathic fibrosing alveolitis. Identifiers: Orphanet 2032, MedGen C1800706, MeSH D054990, MONDO:0800504.
Dyskeratosis congenita, autosomal dominant 2. Identifiers: MedGen C3151443, MONDO:0013521, OMIM 613989.

Allele frequency attached by ClinVar (database versions not stated): gnomAD 0.00003; TOPMed 0.00003; ExAC 0.00007; ESP Exome Variant Server 0.00008; gnomAD exomes 0.00008 and 0.00015.
gnomAD v4.1: 222 of 1,613,844 alleles (0.014%); highest among the groups gnomAD compares: Non-Finnish European, 0.017%; no homozygotes.

Submissions (4):

Labcorp Genetics (formerly Invitae), Labcorp
Classification: Likely benign for Dyskeratosis congenita, autosomal dominant 2; Idiopathic Pulmonary Fibrosis. Last evaluated: 2025-12-24. Review status: criteria provided, single submitter. Criteria: Invitae Variant Classification Sherloc (09022015). Collection method: clinical testing. Allele origin: germline.

CeGaT Center for Human Genetics Tuebingen
Classification: Likely benign. Last evaluated: 2023-11-01. Review status: criteria provided, single submitter. Criteria: CeGaT Center For Human Genetics Tuebingen Variant Classification Criteria Version 2. Collection method: clinical testing. Allele origin: germline. Affected: yes. Observed: 1 variant allele.
Comment: TERT: BP4, BP7

Ambry Genetics
Classification: Likely benign for Dyskeratosis congenita. Last evaluated: 2022-02-14. Review status: criteria provided, single submitter. Criteria: Ambry Variant Classification Scheme 2023. Collection method: clinical testing. Allele origin: germline.

Genetic Services Laboratory, University of Chicago
Classification: Likely benign. Last evaluated: 2018-10-05. Review status: criteria provided, single submitter. Criteria: ACMG Guidelines, 2015. Collection method: clinical testing. Allele origin: germline. Affected: no.